The following is an entry in ClinVar:

ClinVar aggregate classification (germline): Uncertain significance. Review status: criteria provided, multiple submitters, no conflicts (2 of 4 stars). 3 submissions from 3 submitters: Uncertain significance (3). Last evaluated 2025-10-12.

Conditions:
Inborn genetic diseases. Identifiers: MedGen C0950123, MeSH D030342.
Xanthinuria type II. Also called: Xanthine dehydrogenase and aldehyde oxidase combined deficiency of; XDH and AOX dual deficiency. Identifiers: Orphanet 3467, Orphanet 93602, MedGen C1863688, MONDO:0011346, OMIM 603592.
Hereditary xanthinuria type 1 (XAN1). Identifiers: Orphanet 3467, Orphanet 93601, MedGen C0268118, MONDO:0010209, OMIM 278300.

Allele frequency attached by ClinVar (database versions not stated): gnomAD exomes 0.00001; ExAC 0.00005; ESP Exome Variant Server 0.00008; 1000 Genomes Project 30x 0.00016; gnomAD 0.00019; 1000 Genomes Project 0.00020; TOPMed 0.00021.
gnomAD v4.1: 53 of 1,614,130 alleles (0.0033%); highest among the groups gnomAD compares: African/African-American, 0.063%; no homozygotes.

Submissions (3):

Labcorp Genetics (formerly Invitae), Labcorp
Classification: Uncertain significance for Xanthinuria type II. Last evaluated: 2025-10-12. Review status: criteria provided, single submitter. Criteria: Invitae Variant Classification Sherloc (09022015). Collection method: clinical testing. Allele origin: germline.
Comment: This sequence change replaces glutamic acid, which is acidic and polar, with glutamine, which is neutral and polar, at codon 286 of the XDH protein (p.Glu286Gln). This variant is present in population databases (rs375277410, gnomAD 0.06%). This variant has not been reported in the literature in individuals affected with XDH-related conditions. ClinVar contains an entry for this variant (Variation ID: 2151303). An algorithm developed to predict the effect of missense changes on protein structure and function (PolyPhen-2) suggests that this variant is likely to be disruptive. In summary, the available evidence is currently insufficient to determine the role of this variant in disease. Therefore, it has been classified as a Variant of Uncertain Significance.

Fulgent Genetics
Classification: Uncertain significance for Hereditary xanthinuria type 1. Last evaluated: 2024-05-16. Review status: criteria provided, single submitter. Criteria: ACMG Guidelines, 2015. Collection method: clinical testing. Allele origin: germline.

Ambry Genetics
Classification: Uncertain significance for Inborn genetic diseases. Last evaluated: 2021-08-02. Review status: criteria provided, single submitter. Criteria: Ambry Variant Classification Scheme 2023. Collection method: clinical testing. Allele origin: germline.

NM_000379.4(XDH):c.856G>C (p.Glu286Gln)

Gene: XDH (xanthine dehydrogenase; minus strand). Cytogenetic location: 2p23.1.
Variant type: single nucleotide variant.
Coding change: c.856G>C on transcript NM_000379.4 (MANE Select); coding-DNA position 856, G replaced by C.
Protein change: p.Glu286Gln; replaces glutamic acid 286 with glutamine.
Molecular consequence: missense variant.
Genome position (GRCh38, 1-based): chr2:31,383,785, C>G on the plus strand (G>C on the coding strand, the complement: XDH is on the minus strand). VCF-style: chr2-31383785-C-G. GRCh37 (hg19) VCF-style: chr2-31606651-C-G.
Other names: c.856G>C (NM_000379.3); short protein forms E286Q.
Identifiers: ClinVar variation 2151303 (VCV002151303.4), dbSNP rs375277410, ClinGen allele CA1599459.